The following is an entry in ClinVar:

NM_006648.4(WNK2):c.2375C>G (p.Pro792Arg)

Gene: WNK2 (WNK lysine deficient protein kinase 2; plus strand). Cytogenetic location: 9q22.31.
Variant type: single nucleotide variant.
Coding change: c.2375C>G on transcript NM_006648.4 (MANE Select); coding-DNA position 2375, C replaced by G.
Protein change: p.Pro792Arg; replaces proline 792 with arginine.
Molecular consequence: missense variant.
Genome position (GRCh38, 1-based): chr9:93,257,132, C>G. VCF-style: chr9-93257132-C-G. GRCh37 (hg19) VCF-style: chr9-96019414-C-G.
Other names: c.2375C>G, p.Pro792Arg (NM_001282394.3); short protein forms P792R.
Identifiers: ClinVar variation 4866704 (VCV004866704.1).

ClinVar aggregate classification (germline): Uncertain significance (1 of 4 stars; one submission).

gnomAD v4.1: 1 of 1,607,790 alleles (0.000062%); highest among the groups gnomAD compares: Non-Finnish European, 0.000085%; no homozygotes.

Submission:

Ambry Genetics
Classification: Uncertain significance. Last evaluated: 2026-05-24. Review status: criteria provided, single submitter. Criteria: Ambry Variant Classification Scheme 2023. Collection method: clinical testing. Allele origin: germline.
Comment: The p.P792R variant (also known as c.2375C>G), located in coding exon 10 of the WNK2 gene, results from a C to G substitution at nucleotide position 2375. The proline at codon 792 is replaced by arginine, an amino acid with dissimilar properties. This amino acid position is conserved. In addition, the in silico prediction for this alteration is inconclusive. Based on the available evidence, the clinical significance of this variant remains unclear.